The following is an entry in ClinVar:

ClinVar aggregate classification (germline): Uncertain significance (1 of 4 stars; one submission).

Conditions:
PSMD12-related disorder. Also called: PSMD12-related condition.

Submission:

PreventionGenetics, part of Exact Sciences
Classification: Uncertain significance for PSMD12-related condition. Last evaluated: 2023-09-26. Review status: criteria provided, single submitter. Criteria: ACMG Guidelines, 2015. Collection method: clinical testing. Allele origin: germline.
Comment: The PSMD12 c.1141C>T variant is predicted to result in the amino acid substitution p.Leu381Phe. To our knowledge, this variant has not been reported in the literature or in a large population database, indicating this variant is rare. At this time, the clinical significance of this variant is uncertain due to the absence of conclusive functional and genetic evidence.

NM_002816.5(PSMD12):c.1141C>T (p.Leu381Phe)

Gene: PSMD12 (proteasome 26S subunit, non-ATPase 12; minus strand). Cytogenetic location: 17q24.2.
Variant type: single nucleotide variant.
Coding change: c.1141C>T on transcript NM_002816.5 (MANE Select); coding-DNA position 1141, C replaced by T.
Protein change: p.Leu381Phe; replaces leucine 381 with phenylalanine.
Molecular consequence: missense variant.
Genome position (GRCh38, 1-based): chr17:67,342,206, G>A on the plus strand (C>T on the coding strand, the complement: PSMD12 is on the minus strand). VCF-style: chr17-67342206-G-A. GRCh37 (hg19) VCF-style: chr17-65338322-G-A.
Other names: c.964C>T, p.Leu322Phe (NM_001316341.2); c.1081C>T, p.Leu361Phe (NM_174871.4); short protein forms L322F, L361F, L381F.
Identifiers: ClinVar variation 2631018 (VCV002631018.1), dbSNP rs1391471967, ClinGen allele CA400803617.
Genomic context (GRCh38, chr17:67,342,206, plus strand): 5'-AGGAATGCCTACAAATAACTCAAAGTTGATTACTACTTACATCAACAGATAGATCCAGAA[G>A]CTGTGCCATCCTTTTCATTGTTATCCGAGTATAATACTTGGCCATTATTCTAATATTCTG-3'
Protein context (NP_002807.1, residues 371-391): TRITMKRMAQ[Leu381Phe]LDLSVDESEA